The following is an entry in ClinVar:

ClinVar aggregate classification (germline): Conflicting classifications of pathogenicity. Review status: criteria provided, conflicting classifications (1 of 4 stars). 2 submissions from 2 submitters: Uncertain significance (1); Likely benign (1). Last evaluated 2025-10-27.

Conditions:
Hereditary cancer-predisposing syndrome. Also called: Neoplastic Syndromes, Hereditary; Tumor predisposition; Hereditary neoplastic syndrome; Hereditary Cancer Syndrome. Identifiers: Orphanet 140162, MedGen C0027672, MeSH D009386, MONDO:0015356.

Allele frequency attached by ClinVar (database versions not stated): gnomAD exomes 0.00001.
gnomAD v4.1: 6 of 1,614,066 alleles (0.00037%); highest among the groups gnomAD compares: Non-Finnish European, 0.00051%; no homozygotes.

Submissions (2):

Labcorp Genetics (formerly Invitae), Labcorp
Classification: Uncertain significance. Last evaluated: 2025-10-27. Review status: criteria provided, single submitter. Criteria: Invitae Variant Classification Sherloc (09022015). Collection method: clinical testing. Allele origin: germline.
Comment: This sequence change affects codon 354 of the CTNNA1 mRNA. It is a 'silent' change, meaning that it does not change the encoded amino acid sequence of the CTNNA1 protein. It affects a nucleotide within the consensus splice site. This variant is not present in population databases (gnomAD no frequency). This variant has not been reported in the literature in individuals affected with CTNNA1-related conditions. ClinVar contains an entry for this variant (Variation ID: 663321). Studies have shown that this variant is associated with inconclusive levels of altered splicing (internal data). In summary, the available evidence is currently insufficient to determine the role of this variant in disease. Therefore, it has been classified as a Variant of Uncertain Significance.

Ambry Genetics
Classification: Likely benign for Hereditary cancer-predisposing syndrome. Last evaluated: 2025-10-07. Review status: criteria provided, single submitter. Criteria: Ambry Variant Classification Scheme 2023. Collection method: clinical testing. Allele origin: germline.

NM_001903.5(CTNNA1):c.1062T>C (p.Asn354=)

Gene: CTNNA1 (catenin alpha 1; plus strand). Cytogenetic location: 5q31.2.
Variant type: single nucleotide variant.
Coding change: c.1062T>C on transcript NM_001903.5 (MANE Select); coding-DNA position 1062, T replaced by C.
Protein change: p.Asn354=; no amino-acid change (asparagine 354 retained).
Molecular consequence: synonymous variant.
Genome position (GRCh38, 1-based): chr5:138,827,718, T>C. VCF-style: chr5-138827718-T-C. GRCh37 (hg19) VCF-style: chr5-138163407-T-C.
Other names: c.1062T>C, p.Asn354= (NM_001290307.3, NM_001323982.2, NM_001323983.1 and 3 more transcripts); c.753T>C, p.Asn251= (NM_001290309.3); c.693T>C, p.Asn231= (NM_001290310.3); c.1062T>C (NM_001903.2).
Identifiers: ClinVar variation 663321 (VCV000663321.9), dbSNP rs1581178748, ClinGen allele CA446595569.